The following is an entry in ClinVar:

ClinVar aggregate classification (germline): Uncertain significance (1 of 4 stars; one submission).

Conditions:
Mitochondrial hypertrophic cardiomyopathy with lactic acidosis due to MTO1 deficiency. Also called: Combined oxidative phosphorylation deficiency 10; CARDIOMYOPATHY, INFANTILE HYPERTROPHIC MITOCHONDRIAL, AND LACTIC ACIDOSIS. Identifiers: Orphanet 314637, MedGen C4749921, MONDO:0013865, OMIM 614702.

gnomAD v4.1: 3 of 1,612,904 alleles (0.00019%); highest among the groups gnomAD compares: South Asian, 0.0033%; no homozygotes.

Submission:

Labcorp Genetics (formerly Invitae), Labcorp
Classification: Uncertain significance for Mitochondrial hypertrophic cardiomyopathy with lactic acidosis due to MTO1 deficiency. Last evaluated: 2022-07-21. Review status: criteria provided, single submitter. Criteria: Invitae Variant Classification Sherloc (09022015). Collection method: clinical testing. Allele origin: germline.
Comment: This variant has not been reported in the literature in individuals affected with MTO1-related conditions. In summary, the available evidence is currently insufficient to determine the role of this variant in disease. Therefore, it has been classified as a Variant of Uncertain Significance. Algorithms developed to predict the effect of missense changes on protein structure and function output the following: SIFT: "Tolerated"; PolyPhen-2: "Benign"; Align-GVGD: "Class C0". The serine amino acid residue is found in multiple mammalian species, which suggests that this missense change does not adversely affect protein function. This variant is present in population databases (rs769183932, gnomAD 0.003%). This sequence change replaces tyrosine, which is neutral and polar, with serine, which is neutral and polar, at codon 3 of the MTO1 protein (p.Tyr3Ser).

NM_012123.4(MTO1):c.8A>C (p.Tyr3Ser)

Gene: MTO1 (mitochondrial tRNA translation optimization 1; plus strand). Cytogenetic location: 6q13.
Variant type: single nucleotide variant.
Coding change: c.8A>C on transcript NM_012123.4 (MANE Select); coding-DNA position 8, A replaced by C.
Protein change: p.Tyr3Ser; replaces tyrosine 3 with serine.
Molecular consequence: missense variant.
Genome position (GRCh38, 1-based): chr6:73,461,862, A>C. VCF-style: chr6-73461862-A-C. GRCh37 (hg19) VCF-style: chr6-74171585-A-C.
Other names: c.8A>C, p.Tyr3Ser (NM_001123226.2, NM_133645.3); short protein forms Y3S.
Identifiers: ClinVar variation 2118096 (VCV002118096.4), dbSNP rs769183932, ClinGen allele CA3889205.